The following is an entry in ClinVar:

NM_178857.6(RP1L1):c.4864C>T (p.Arg1622Trp)

Gene: RP1L1 (RP1 like 1). Cytogenetic location: 8p23.1.
Variant type: single nucleotide variant.
Coding change: c.4864C>T on transcript NM_178857.6 (MANE Select); coding-DNA position 4864, C replaced by T.
Protein change: p.Arg1622Trp; replaces arginine 1622 with tryptophan.
Molecular consequence: missense variant.
Genome position (GRCh38, 1-based): chr8:10,609,234, G>A on the plus strand (C>T on the coding strand, the complement: RP1L1 is on the minus strand). VCF-style: chr8-10609234-G-A. GRCh37 (hg19) VCF-style: chr8-10466744-G-A.
Other names: short protein forms R1622W.
Identifiers: ClinVar variation 3434895 (VCV003434895.3).

ClinVar aggregate classification (germline): Uncertain significance. Review status: criteria provided, multiple submitters, no conflicts (2 of 4 stars). 3 submissions from 3 submitters: Uncertain significance (3). Last evaluated 2025-11-10.

Conditions:
RP1L1-related disorder. Also called: RP1L1-related condition.
Inborn genetic diseases. Identifiers: MedGen C0950123, MeSH D030342.

gnomAD v4.1: 123 of 1,609,006 alleles (0.0076%); highest among the groups gnomAD compares: Admixed American, 0.0083%; no homozygotes.

Submissions (3):

PreventionGenetics, part of Exact Sciences
Classification: Uncertain significance for RP1L1-related condition. Last evaluated: 2025-11-10. Review status: criteria provided, single submitter. Criteria: ACMG Guidelines, 2015. Collection method: clinical testing. Allele origin: germline.
Comment: The RP1L1 c.4864C>T variant is predicted to result in the amino acid substitution p.Arg1622Trp. To our knowledge, this variant has not been reported in the literature. This variant is reported in 0.017% of alleles in individuals of Latino descent in gnomAD. At this time, the clinical significance of this variant is uncertain due to the absence of conclusive functional and genetic evidence.

Ambry Genetics
Classification: Uncertain significance for Inborn genetic diseases. Last evaluated: 2024-08-20. Review status: criteria provided, single submitter. Criteria: Ambry Variant Classification Scheme 2023. Collection method: clinical testing. Allele origin: germline.

Blueprint Genetics
Classification: Uncertain significance. Last evaluated: 2024-04-15. Review status: criteria provided, single submitter. Criteria: ACMG Guidelines, 2015. Collection method: clinical testing. Allele origin: germline.